The following is an entry in ClinVar:

ClinVar aggregate classification (germline): Uncertain significance. Review status: criteria provided, multiple submitters, no conflicts (2 of 4 stars). 2 submissions from 2 submitters: Uncertain significance (2). Last evaluated 2026-07-23.

Conditions:
Frontometaphyseal dysplasia (FMD1). Identifiers: Orphanet 1826, MedGen C0265293, MONDO:0015942.
Heterotopia, periventricular, X-linked dominant (PVNH1). Also called: PERIVENTRICULAR NODULAR HETEROTOPIA 1; X-linked periventricular heterotopia; PERIVENTRICULAR NODULAR HETEROTOPIA 4; HETEROTOPIA, PERIVENTRICULAR, 1. Identifiers: Orphanet 2149, Orphanet 82004, MedGen C1848213, MONDO:0010233, OMIM 300049.
Melnick-Needles syndrome (MNS). Also called: Melnick-Needles Syndrome (FLNA-MNS); MELNICK-NEEDLES OSTEODYSPLASTY; OSTEODYSPLASTY OF MELNICK AND NEEDLES. Identifiers: Orphanet 2484, MedGen C0025237, MONDO:0010650, OMIM 309350.
Oto-palato-digital syndrome, type II (OPD2). Also called: Otopalatodigital Syndrome, Type II; FACIOPALATOOSSEOUS SYNDROME; Otopalatodigital Syndrome Type 2 (FLNA-OPD2); OPD II SYNDROME. Identifiers: Orphanet 669, Orphanet 90652, MedGen C1844696, MONDO:0010571, OMIM 304120.
FLNA-related disorder.

Submissions (2):

PreventionGenetics, part of Exact Sciences
Classification: Uncertain significance for FLNA-related condition. Last evaluated: 2026-07-23. Review status: criteria provided, single submitter. Criteria: ACMG Guidelines, 2015. Collection method: clinical testing. Allele origin: germline.
Comment: The FLNA c.5630A>G variant is predicted to result in the amino acid substitution p.His1877Arg. To our knowledge, this variant has not been reported in the literature or in a large population database (gnomAD), indicating this variant is rare. At this time, the clinical significance of this variant is uncertain due to the absence of conclusive functional and genetic evidence.

Labcorp Genetics (formerly Invitae), Labcorp
Classification: Uncertain significance for Oto-palato-digital syndrome, type II; Heterotopia, periventricular, X-linked dominant; Frontometaphyseal dysplasia; Melnick-Needles syndrome. Last evaluated: 2025-11-06. Review status: criteria provided, single submitter. Criteria: Invitae Variant Classification Sherloc (09022015). Collection method: clinical testing. Allele origin: germline.
Comment: This sequence change replaces histidine, which is basic and polar, with arginine, which is basic and polar, at codon 1869 of the FLNA protein (p.His1869Arg). This variant is not present in population databases (gnomAD no frequency). This variant has not been reported in the literature in individuals affected with FLNA-related conditions. Invitae Evidence Modeling of protein sequence and biophysical properties (such as structural, functional, and spatial information, amino acid conservation, physicochemical variation, residue mobility, and thermodynamic stability) indicates that this missense variant is not expected to disrupt FLNA protein function with a negative predictive value of 95%. In summary, the available evidence is currently insufficient to determine the role of this variant in disease. Therefore, it has been classified as a Variant of Uncertain Significance.

NM_001110556.2(FLNA):c.5630A>G (p.His1877Arg)

Gene: FLNA (filamin A; minus strand). Cytogenetic location: Xq28.
Variant type: single nucleotide variant.
Coding change: c.5630A>G on transcript NM_001110556.2 (MANE Select); coding-DNA position 5630, A replaced by G.
Protein change: p.His1877Arg; replaces histidine 1877 with arginine.
Molecular consequence: missense variant.
Genome position (GRCh38, 1-based): chrX:154,353,971, T>C on the plus strand (A>G on the coding strand, the complement: FLNA is on the minus strand). VCF-style: chrX-154353971-T-C. GRCh37 (hg19) VCF-style: chrX-153582339-T-C.
Other names: c.5606A>G, p.His1869Arg (NM_001456.4); c.5630A>G (NM_001110556.1); short protein forms H1869R, H1877R.
Identifiers: ClinVar variation 4794159 (VCV004794159.2).